The following is an entry in ClinVar:

NM_001363.5(DKC1):c.763A>G (p.Ser255Gly)

Gene: DKC1 (dyskerin pseudouridine synthase 1; plus strand). Cytogenetic location: Xq28.
Variant type: single nucleotide variant.
Coding change: c.763A>G on transcript NM_001363.5 (MANE Select); coding-DNA position 763, A replaced by G.
Protein change: p.Ser255Gly; replaces serine 255 with glycine.
Molecular consequence: missense variant. On other transcripts: non-coding transcript variant (3).
Genome position (GRCh38, 1-based): chrX:154,768,424, A>G. VCF-style: chrX-154768424-A-G. GRCh37 (hg19) VCF-style: chrX-153996699-A-G.
Other names: c.763A>G, p.Ser255Gly (NM_001142463.3, NM_001288747.2); short protein forms S255G.
Identifiers: ClinVar variation 1939100 (VCV001939100.6), dbSNP rs2523688480, ClinGen allele CA414890841.
Genomic context (GRCh38, chrX:154,768,424, plus strand): 5'-TTGTTATTGGGAGTTGGTGGTCAGATGCAGGAGCTTCGGAGGGTTCGTTCTGGAGTCATG[A>G]GTGAAAAGGTATGTGTTACGGGGCTAGAAGTTTTAGAGCTGGTTCTTACCATCTGCCAGC-3'
Protein context (NP_001354.1, residues 245-265): ELRRVRSGVM[Ser255Gly]EKDHMVTMHD

ClinVar aggregate classification (germline): Uncertain significance (1 of 4 stars; one submission).

Conditions:
Dyskeratosis congenita. Identifiers: Orphanet 1775, MedGen C0265965, MONDO:0015780.

Submissions (2):

Labcorp Genetics (formerly Invitae), Labcorp
Classification: Uncertain significance for Dyskeratosis congenita. Last evaluated: 2022-06-09. Review status: criteria provided, single submitter. Criteria: Invitae Variant Classification Sherloc (09022015). Collection method: clinical testing. Allele origin: germline.
Comment: In summary, the available evidence is currently insufficient to determine the role of this variant in disease. Therefore, it has been classified as a Variant of Uncertain Significance. Algorithms developed to predict the effect of missense changes on protein structure and function output the following: SIFT: "Tolerated"; PolyPhen-2: "Benign"; Align-GVGD: "Class C0". The glycine amino acid residue is found in multiple mammalian species, which suggests that this missense change does not adversely affect protein function. This variant has not been reported in the literature in individuals affected with DKC1-related conditions. This variant is not present in population databases (gnomAD no frequency). This sequence change replaces serine, which is neutral and polar, with glycine, which is neutral and non-polar, at codon 255 of the DKC1 protein (p.Ser255Gly).

Dr. Peter K. Rogan Lab, Western University
No classification provided (evidence only). Condition: Thyroid cancer, nonmedullary, 1. Review status: no classification provided. Collection method: in vitro. Allele origin: not applicable. Functional consequence: retained intron. Not counted in ClinVar's aggregate classification.